The following is an entry in ClinVar:

NM_016628.5(WAC):c.996dup (p.Thr333fs)

Gene: WAC (WW domain containing adaptor with coiled-coil; plus strand). Cytogenetic location: 10p12.1.
Variant type: Duplication.
Coding change: c.996dup on transcript NM_016628.5 (MANE Select); coding-DNA position 996, one base duplicated (C; older notation c.996dupC).
Protein change: p.Thr333fs; shifts the reading frame from threonine 333.
Molecular consequence: frameshift variant.
Genome position (GRCh38, 1-based): chr10:28,608,262, C duplicated; the last of 4 consecutive C bases (chr10:28,608,259-28,608,262); duplicating any one gives the same sequence. VCF-style (leftmost placement, unchanged base first): chr10-28608258-A-AC. GRCh37 (hg19) VCF-style: chr10-28897187-A-AC.
Other names: c.861dup, p.Thr288fs (NM_100264.3); c.687dup, p.Thr230fs (NM_100486.4); short protein forms T230fs, T288fs, T333fs.
Identifiers: ClinVar variation 4293615 (VCV004293615.1).
Genomic context (GRCh38, chr10:28,608,258, plus strand): 5'-GAGACAAACCCGTATCACATTCTTGCACAACTCCTTCCACGTCTTCTGCCTCTGGACTGA[A>AC]CCCCACATCTGCACCTCCAACATCTGCTTCAGCGGTCCCTGTTTCTCCTGTTCCACAGTC-3'

ClinVar aggregate classification (germline): Likely pathogenic (1 of 4 stars; one submission).

Conditions:
DeSanto-Shinawi syndrome due to WAC point mutation (DESSH). Also called: Facial dysmorphism-developmental delay-behavioral abnormalities syndrome due to WAC point mutation; WAC-Related Intellectual Disability; DEVELOPMENTAL DELAY, BEHAVIORAL ABNORMALITIES, FACIAL DYSMORPHISM, AND OCULAR ABNORMALITIES. Identifiers: Orphanet 284169, Orphanet 466950, MedGen C5681129, MONDO:0014741, OMIM 616708.

Submission:

3billion
Classification: Likely pathogenic for DeSanto-Shinawi syndrome due to WAC point mutation. Last evaluated: 2024-10-21. Review status: criteria provided, single submitter. Criteria: ACMG Guidelines, 2015. Collection method: clinical testing. Allele origin: germline. Affected: yes.
Comment: The variant is not observed in the gnomAD v4.1.0 dataset. Predicted Consequence/Location: Frameshift: predicted to result in a loss or disruption of normal protein function through nonsense-mediated decay (NMD) or protein truncation. Multiple pathogenic variants are reported downstream of the variant. Therefore, this variant is classified as Likely pathogenic according to the recommendation of ACMG/AMP guideline.